The following is an entry in ClinVar:

ClinVar aggregate classification (germline): Uncertain significance (1 of 4 stars; one submission).

gnomAD v4.1: 5 of 1,613,248 alleles (0.00031%); highest among the groups gnomAD compares: Non-Finnish European, 0.00042%; no homozygotes.

Submission:

Labcorp Genetics (formerly Invitae), Labcorp
Classification: Uncertain significance. Last evaluated: 2025-10-20. Review status: criteria provided, single submitter. Criteria: Invitae Variant Classification Sherloc (09022015). Collection method: clinical testing. Allele origin: germline.
Comment: This sequence change falls in intron 8 of the ANKRD26 gene. It does not directly change the encoded amino acid sequence of the ANKRD26 protein. This variant is not present in population databases (gnomAD no frequency). This variant has not been reported in the literature in individuals affected with ANKRD26-related conditions. Algorithms developed to predict the effect of sequence changes on RNA splicing suggest that this variant may create or strengthen a splice site. In summary, the available evidence is currently insufficient to determine the role of this variant in disease. Therefore, it has been classified as a Variant of Uncertain Significance.

NM_014915.3(ANKRD26):c.875-7A>G

Gene: ANKRD26 (ankyrin repeat domain 26; minus strand). Cytogenetic location: 10p12.1.
Variant type: single nucleotide variant.
Coding change: c.875-7A>G on transcript NM_014915.3 (MANE Select); 7 bases into the intron before coding-DNA position 875, A replaced by G.
Molecular consequence: intron variant.
Genome position (GRCh38, 1-based): chr10:27,077,547, T>C on the plus strand (A>G on the coding strand, the complement: ANKRD26 is on the minus strand). VCF-style: chr10-27077547-T-C. GRCh37 (hg19) VCF-style: chr10-27366476-T-C.
Other names: c.875-7A>G (NM_001256053.2).
Identifiers: ClinVar variation 4705799 (VCV004705799.1).
Genomic context (GRCh38, chr10:27,077,547, plus strand): 5'-TATCCTCAAACAAAGTTCTATTTCCTGTTCTCACAGTGCCATATGTTGCTTCTACTACAG[T>C]AAAAACAAAATAAAGAGTAAATGAAAATATATGTAATTAAGAATCAGTGAATAACACAAG-3'